The following is an entry in ClinVar:

ClinVar aggregate classification (germline): Uncertain significance (1 of 4 stars; one submission).

Conditions:
Inborn genetic diseases. Identifiers: MedGen C0950123, MeSH D030342.

Submission:

Ambry Genetics
Classification: Uncertain significance for Inborn genetic diseases. Last evaluated: 2026-05-14. Review status: criteria provided, single submitter. Criteria: Ambry Variant Classification Scheme 2023. Collection method: clinical testing. Allele origin: germline.
Comment: The p.H847Y variant (also known as c.2539C>T), located in coding exon 21 of the DNMT3A gene, results from a C to T substitution at nucleotide position 2539. The histidine at codon 847 is replaced by tyrosine, an amino acid with similar properties. This amino acid position is conserved. In addition, this alteration is predicted to be deleterious by in silico analysis. Based on the available evidence, the clinical significance of this variant remains unclear.

NM_022552.5(DNMT3A):c.2539C>T (p.His847Tyr)

Gene: DNMT3A (DNA methyltransferase 3 alpha; minus strand). Cytogenetic location: 2p23.3.
Variant type: single nucleotide variant.
Coding change: c.2539C>T on transcript NM_022552.5 (MANE Select); coding-DNA position 2539, C replaced by T.
Protein change: p.His847Tyr; replaces histidine 847 with tyrosine.
Molecular consequence: missense variant. On other transcripts: non-coding transcript variant (1).
Genome position (GRCh38, 1-based): chr2:25,235,765, G>A on the plus strand (C>T on the coding strand, the complement: DNMT3A is on the minus strand). VCF-style: chr2-25235765-G-A. GRCh37 (hg19) VCF-style: chr2-25458634-G-A.
Other names: c.2083C>T, p.His695Tyr (NM_001320893.1); c.1870C>T, p.His624Tyr (NM_001375819.1); c.1972C>T, p.His658Tyr (NM_153759.3); c.2539C>T, p.His847Tyr (NM_175629.2); short protein forms H624Y, H658Y, H695Y, H847Y.
Identifiers: ClinVar variation 4870029 (VCV004870029.1).